The following is an entry in ClinVar:

ClinVar aggregate classification (germline): Uncertain significance. Review status: criteria provided, multiple submitters, no conflicts (2 of 4 stars). 2 submissions from 2 submitters: Uncertain significance (2). Last evaluated 2022-07-06.

Conditions:
Cerebellar ataxia-hypogonadism syndrome. Also called: Gordon Holmes syndrome; CEREBELLAR ATAXIA AND HYPOGONADOTROPIC HYPOGONADISM; Luteinizing hormone releasing hormone, deficiency of with ataxia; Cerebellar ataxia hypogonadotropic hypogonadism; LHRH DEFICIENCY AND ATAXIA. Identifiers: Orphanet 1173, MedGen C1859305, MONDO:0008935, OMIM 212840.

gnomAD v4.1: 12 of 1,611,828 alleles (0.00074%); highest among the groups gnomAD compares: Admixed American, 0.0017%; no homozygotes.

Submissions (2):

Labcorp Genetics (formerly Invitae), Labcorp
Classification: Uncertain significance. Last evaluated: 2022-07-06. Review status: criteria provided, single submitter. Criteria: Invitae Variant Classification Sherloc (09022015). Collection method: clinical testing. Allele origin: germline.
Comment: ClinVar contains an entry for this variant (Variation ID: 1397588). In summary, the available evidence is currently insufficient to determine the role of this variant in disease. Therefore, it has been classified as a Variant of Uncertain Significance. Algorithms developed to predict the effect of missense changes on protein structure and function are either unavailable or do not agree on the potential impact of this missense change (SIFT: "Deleterious"; PolyPhen-2: "Probably Damaging"; Align-GVGD: "Class C0"). This missense change has been observed in individual(s) with congenital hypogonadotropic hypogonadism (PMID: 32982993). This variant is not present in population databases (gnomAD no frequency). This sequence change replaces aspartic acid, which is acidic and polar, with asparagine, which is neutral and polar, at codon 792 of the RNF216 protein (p.Asp792Asn).

Victorian Clinical Genetics Services, Murdoch Childrens Research Institute
Classification: Uncertain significance for Cerebellar ataxia-hypogonadism syndrome. Last evaluated: 2019-08-28. Review status: criteria provided, single submitter. Criteria: ACMG Guidelines, 2015. Collection method: clinical testing. Allele origin: germline. Inheritance: Autosomal recessive inheritance.
Comment: A heterozygous missense variant was identified, NM_207111.3(RNF216):c.2374G>A in exon 15 of 17 of the RNF216 gene. This substitution is predicted to create a minor amino acid change from aspartic acid to asparagine at position 792 of the protein, NP_996994.1(RNF216):p.(Asp792Asn). The aspartic acid at this position has very high conservation (100 vertebrates, UCSC), but is not situated in a domain. In silico software predictions of the pathogenicity of this variant are conflicting (Polyphen, SIFT, CADD, Mutation Taster). The variant is not present in the gnomAD population database, and has not been previously reported in clinical cases. Based on information available at the time of curation, this variant has been classified as a VARIANT of UNCERTAIN SIGNIFICANCE (VUS).

Literature cited by the submitters: PubMed 32982993 (cited by Labcorp Genetics (formerly Invitae), Labcorp).

NM_207111.4(RNF216):c.2374G>A (p.Asp792Asn)

Gene: RNF216 (ring finger protein 216; minus strand). Cytogenetic location: 7p22.1.
Variant type: single nucleotide variant.
Coding change: c.2374G>A on transcript NM_207111.4 (MANE Select); coding-DNA position 2374, G replaced by A.
Protein change: p.Asp792Asn; replaces aspartic acid 792 with asparagine.
Molecular consequence: missense variant.
Genome position (GRCh38, 1-based): chr7:5,641,162, C>T on the plus strand (G>A on the coding strand, the complement: RNF216 is on the minus strand). VCF-style: chr7-5641162-C-T. GRCh37 (hg19) VCF-style: chr7-5680793-C-T.
Other names: c.2203G>A, p.Asp735Asn (NM_001377156.1, NM_207116.3); short protein forms D792N, D735N.
Identifiers: ClinVar variation 1397588 (VCV001397588.10), dbSNP rs1012568298, ClinGen allele CA153208280.